The following is an entry in ClinVar:

NM_012431.3(SEMA3E):c.274G>C (p.Glu92Gln)

Gene: SEMA3E (semaphorin 3E; minus strand). Cytogenetic location: 7q21.11.
Variant type: single nucleotide variant.
Coding change: c.274G>C on transcript NM_012431.3 (MANE Select); coding-DNA position 274, G replaced by C.
Protein change: p.Glu92Gln; replaces glutamic acid 92 with glutamine.
Molecular consequence: missense variant.
Genome position (GRCh38, 1-based): chr7:83,490,116, C>G on the plus strand (G>C on the coding strand, the complement: SEMA3E is on the minus strand). VCF-style: chr7-83490116-C-G. GRCh37 (hg19) VCF-style: chr7-83119432-C-G.
Other names: c.94G>C, p.Glu32Gln (NM_001178129.2); short protein forms E92Q, E32Q.
Identifiers: ClinVar variation 3691570 (VCV003691570.2).

ClinVar aggregate classification (germline): Uncertain significance (1 of 4 stars; one submission).

Conditions:
CHARGE syndrome (CHARGE). Also called: Hittner Hirsch Kreh syndrome; CHARGE ASSOCIATION--COLOBOMA, HEART ANOMALY, CHOANAL ATRESIA, RETARDATION, GENITAL AND EAR ANOMALIES; Coloboma, heart anomaly, choanal atresia, retardation, genital and ear anomalies; CHARGE association; Hall-Hittner syndrome. Identifiers: Orphanet 138, MedGen C0265354, MONDO:0008965.

gnomAD v4.1: 4 of 1,612,596 alleles (0.00025%); highest among the groups gnomAD compares: Non-Finnish European, 0.00034%; no homozygotes.

Submission:

Labcorp Genetics (formerly Invitae), Labcorp
Classification: Uncertain significance for CHARGE syndrome. Last evaluated: 2025-07-31. Review status: criteria provided, single submitter. Criteria: Invitae Variant Classification Sherloc (09022015). Collection method: clinical testing. Allele origin: germline.
Comment: This sequence change replaces glutamic acid, which is acidic and polar, with glutamine, which is neutral and polar, at codon 92 of the SEMA3E protein (p.Glu92Gln). This variant is present in population databases (no rsID available, gnomAD 0.0009%). This variant has not been reported in the literature in individuals affected with SEMA3E-related conditions. ClinVar contains an entry for this variant (Variation ID: 3691570). An algorithm developed to predict the effect of missense changes on protein structure and function (PolyPhen-2) suggests that this variant is likely to be disruptive. In summary, the available evidence is currently insufficient to determine the role of this variant in disease. Therefore, it has been classified as a Variant of Uncertain Significance.